The following is an entry in ClinVar:

ClinVar aggregate classification (germline): Pathogenic/Likely pathogenic. Review status: criteria provided, multiple submitters, no conflicts (2 of 4 stars). 10 submissions from 10 submitters: Pathogenic (8); Likely pathogenic (1). 1 of the submissions does not count toward it. Last evaluated 2026-09-14.

Conditions:
Argininosuccinate lyase deficiency. Also called: Argininosuccinic aciduria; ARGININOSUCCINIC ACID LYASE DEFICIENCY; ASL DEFICIENCY. Identifiers: Orphanet 23, MedGen C0268547, MONDO:0008815, OMIM 207900, HP:0025630.
Inborn genetic diseases. Identifiers: MedGen C0950123, MeSH D030342.

Allele frequency attached by ClinVar (database versions not stated): gnomAD 0.00004; ExAC 0.00005; gnomAD exomes 0.00007 and 0.00002; TOPMed 0.00005; ESP Exome Variant Server 0.00008.
gnomAD v4.1: 111 of 1,587,274 alleles (0.007%); highest among the groups gnomAD compares: Non-Finnish European, 0.0082%; no homozygotes.

Submissions (10):

Ambry Genetics
Classification: Pathogenic for Inborn genetic diseases. Last evaluated: 2026-09-14. Review status: criteria provided, single submitter. Criteria: Ambry Variant Classification Scheme 2023. Collection method: clinical testing. Allele origin: germline.
Comment: The c.578G>A (p.R193Q) alteration is located in exon 8 (coding exon 7) of the ASL gene. This alteration results from a G to A substitution at nucleotide position 578, causing the arginine (R) at amino acid position 193 to be replaced by a glutamine (Q). Based on data from gnomAD, the A allele has an overall frequency of 0.003% (6/232910) total alleles studied. The highest observed frequency was 0.016% (1/6280) of Other alleles. This variant has been identified in the homozygous state and/or in conjunction with other ASL variant(s) in individual(s) with features consistent with Argininosuccinic aciduria; (Kleijer, 2002; Balmer, 2014). This amino acid position is highly conserved in available vertebrate species. This alteration is predicted to be deleterious by in silico analysis. Based on the available evidence, this alteration is classified as pathogenic.

Labcorp Genetics (formerly Invitae), Labcorp
Classification: Pathogenic for Argininosuccinate lyase deficiency. Last evaluated: 2026-01-27. Review status: criteria provided, single submitter. Criteria: Invitae Variant Classification Sherloc (09022015). Collection method: clinical testing. Allele origin: germline.
Comment: This sequence change replaces arginine, which is basic and polar, with glutamine, which is neutral and polar, at codon 193 of the ASL protein (p.Arg193Gln). The frequency data for this variant in the population databases is considered unreliable, as metrics indicate poor data quality at this position in the gnomAD database. This missense change has been observed in individuals with argininosuccinate lyase deficiency (PMID: 705937, 12408190, 24166829). ClinVar contains an entry for this variant (Variation ID: 372306). Invitae Evidence Modeling of protein sequence and biophysical properties (such as structural, functional, and spatial information, amino acid conservation, physicochemical variation, residue mobility, and thermodynamic stability) indicates that this missense variant is expected to disrupt ASL protein function with a positive predictive value of 95%. Experimental studies have shown that this missense change affects ASL function (PMID: 25778938). This variant disrupts the p.Arg193 amino acid residue in ASL. Other variant(s) that disrupt this residue have been observed in individuals with ASL-related conditions (PMID: 24166829), which suggests that this may be a clinically significant amino acid residue. For these reasons, this variant has been classified as Pathogenic.

Natera, Inc.
Classification: Pathogenic for Argininosuccinate lyase deficiency. Last evaluated: 2025-12-31. Review status: criteria provided, single submitter. Criteria: Natera Variant Classification Schema (03/2026). Collection method: clinical testing. Allele origin: germline.
Comment: The c.578G>A variant in ASL is a missense variant predicted to cause substitution of arginine to glutamine at amino acid 193. This variant is rare in the general population with a frequency below the threshold expected for the associated phenotype(s). This variant has been observed in one or more individuals affected with the associated recessive disease, as either homozygous or compound heterozygous with a second variant (PMID: 24166829). Given the available evidence, this variant is classified as Pathogenic.

Otogenetics
Classification: Pathogenic for Argininosuccinate lyase deficiency. Last evaluated: 2025-10-31. Review status: criteria provided, single submitter. Criteria: ACMG Guidelines, 2015. Collection method: clinical testing. Allele origin: germline.
Comment: PS3: Well-established in vitro and in vivo functional studies supportive of damaging effect on the gene product, with low residual enzymatic activity relative to wild-type reported (PMID: 1705937, 12408190); PM2: Maximum gnomAD MAF of 0.0082% in European-Non Finnish (NFE) subpopulation (<0.23% threshold); PM3_Strong: Variant reported in homozygous state in one affected individual and in trans with 7 pathogenic/likely pathogenic variants in individuals affected with argininosuccinic aciduria (PMID: 21744316, 24166829, 31709144); PM5: Pathogenic missense amino acid change occurs in same position: c.577C>T; p.Arg193Trp (PMID: 24166829); PP3: In-silico models predict deleterious effect (Revel = 0.97, BayesDel = 0.5)

GeneDx
Classification: Pathogenic. Last evaluated: 2024-10-22. Review status: criteria provided, single submitter. Criteria: GeneDx Variant Classification Process June 2021. Collection method: clinical testing. Allele origin: germline. Affected: yes.
Comment: Not observed at significant frequency in large population cohorts (gnomAD); In silico analysis supports that this missense variant has a deleterious effect on protein structure/function; This variant is associated with the following publications: (PMID: 12408190, 12384776, 1705937, 24166829, 30609409, 31709144, 31943503)

Fulgent Genetics
Classification: Pathogenic for Argininosuccinate lyase deficiency. Last evaluated: 2024-05-09. Review status: criteria provided, single submitter. Criteria: ACMG Guidelines, 2015. Collection method: clinical testing. Allele origin: germline.

Baylor Genetics
Classification: Pathogenic for Argininosuccinate lyase deficiency. Last evaluated: 2024-03-27. Review status: criteria provided, single submitter. Criteria: ACMG Guidelines, 2015. Collection method: clinical testing. Allele origin: unknown.

Women's Health and Genetics/Laboratory Corporation of America, LabCorp
Classification: Pathogenic for Argininosuccinate lyase deficiency. Last evaluated: 2023-02-24. Review status: criteria provided, single submitter. Criteria: LabCorp Variant Classification Summary - May 2015. Collection method: clinical testing. Allele origin: germline.
Comment: Variant summary: ASL c.578G>A (p.Arg193Gln) results in a conservative amino acid change located in the Fumarate lyase, N-terminal domain (IPR022761) of the encoded protein sequence. Four of five in-silico tools predict a damaging effect of the variant on protein function. The variant allele was found at a frequency of 2e-05 in 201534 control chromosomes. c.578G>A has been reported in the literature in multiple individuals affected with Argininosuccinic Aciduria, and was reported confirmed in trans in at least one patient (example Balmer_2014, Kleijer_2002). These data indicate that the variant is very likely to be associated with disease. To our knowledge, no experimental evidence demonstrating an impact on protein function has been reported. A different variant impacting the same amino acid has been reported in HGMD in association with Argininosuccinate lyase deficiency and has been classified as pathogenic by at least one lab in ClinVar (p.R193W). Six ClinVar submitters have submitted clinical-significance assessments for this variant to ClinVar after 2014. All laboratories classified the variant as pathogenic (n=4) or likely pathogenic (n=2). Based on the evidence outlined above, the variant was classified as pathogenic.

Laboratory for Molecular Medicine, Mass General Brigham Personalized Medicine
Classification: Likely pathogenic for Argininosuccinate lyase deficiency. Last evaluated: 2017-01-24. Review status: criteria provided, single submitter. Criteria: LMM Criteria. Collection method: clinical testing. Allele origin: germline. Inheritance: Autosomal recessive inheritance. Observed: 1 variant allele.
Comment: The p.Arg193Gln (NM_000048.3 c.578G>A) variant in ASL has been reported in 7 com pound heterozygous individuals and 1 homozygous individual with clinical feature s of argininosuccinate lyase deficiency (Barbosa 1991, Kleijer 2002, Linnebank 2 002, and Balmer 2014). This variant has also been identified in 2/22,098 of Euro pean chromosomes by the Exome Aggregation Consortium (ExAC; dbSNP rs373697663). In vitro functional studies provide some evidenc e that this variant may impact protein function (Hu 2014); however these types o f assays may not accurately represent biological function. This variant has also been reported in ClinVar (Variation ID#372306). In summary, although additiona l studies are required to fully establish its clinical significance, the p.Arg19 3Gln variant is likely pathogenic for ASL in an autosomal recessive manner based on biallelic observations in patients, impact in functional studies, and low po pulation frequency.

Counsyl
Classification: Likely pathogenic for Argininosuccinate lyase deficiency. Last evaluated: 2017-03-22. Review status: no assertion criteria provided. Collection method: clinical testing. Allele origin: unknown. Not counted in ClinVar's aggregate classification.

Literature cited by the submitters: PubMed 12408190 (cited by 6 submitters); PubMed 24166829 (cited by 7 submitters); PubMed 705937 (cited by Labcorp Genetics (formerly Invitae), Labcorp); PubMed 25778938 (cited by Labcorp Genetics (formerly Invitae), Labcorp and Laboratory for Molecular Medicine, Mass General Brigham Personalized Medicine); PubMed 1705937 (cited by 3 submitters); PubMed 21744316 (cited by Otogenetics); PubMed 31709144 (cited by Otogenetics); PubMed 12384776 (cited by Laboratory for Molecular Medicine, Mass General Brigham Personalized Medicine).

NM_000048.4(ASL):c.578G>A (p.Arg193Gln)

Gene: ASL (argininosuccinate lyase; plus strand). Cytogenetic location: 7q11.21.
Variant type: single nucleotide variant.
Coding change: c.578G>A on transcript NM_000048.4 (MANE Select); coding-DNA position 578, G replaced by A.
Protein change: p.Arg193Gln; replaces arginine 193 with glutamine.
Molecular consequence: missense variant. On other transcripts: intron variant (1).
Genome position (GRCh38, 1-based): chr7:66,086,797, G>A. VCF-style: chr7-66086797-G-A. GRCh37 (hg19) VCF-style: chr7-65551784-G-A.
Other names: c.578G>A, p.Arg193Gln (NM_001024943.2, NM_001024944.2); c.524+135G>A (NM_001024946.2); short protein forms R193Q.
Identifiers: ClinVar variation 372306 (VCV000372306.24), dbSNP rs373697663, ClinGen allele CA4277009.
Genomic context (GRCh38, chr7:66,086,797, plus strand): 5'-CCCACAGCCACGCCGTGGCACTGACCCGAGACTCTGAGCGGCTGCTGGAGGTGCGGAAGC[G>A]GATCAATGTCCTGCCCCTGGGGAGGTGGGTGAGGCTCCAGTGCCCCGAGGGCCTGGTGGG-3'
Protein context (NP_000039.2, residues 183-203): DSERLLEVRK[Arg193Gln]INVLPLGSGA